The following is an entry in ClinVar:

NM_006389.5(HYOU1):c.2059C>G (p.Gln687Glu)

Gene: HYOU1 (hypoxia up-regulated 1; minus strand). Cytogenetic location: 11q23.3.
Variant type: single nucleotide variant.
Coding change: c.2059C>G on transcript NM_006389.5 (MANE Select); coding-DNA position 2059, C replaced by G.
Protein change: p.Gln687Glu; replaces glutamine 687 with glutamic acid.
Molecular consequence: missense variant.
Genome position (GRCh38, 1-based): chr11:119,048,820, G>C on the plus strand (C>G on the coding strand, the complement: HYOU1 is on the minus strand). VCF-style: chr11-119048820-G-C. GRCh37 (hg19) VCF-style: chr11-118919532-G-C.
Other names: c.2059C>G, p.Gln687Glu (NM_001130991.3); short protein forms Q687E.
Identifiers: ClinVar variation 1358694 (VCV001358694.8), dbSNP rs1467590043, ClinGen allele CA382927514.

ClinVar aggregate classification (germline): Uncertain significance (1 of 4 stars; one submission).

Allele frequency attached by ClinVar (database versions not stated): gnomAD exomes 0.00001; TOPMed 0.00001.
gnomAD v4.1: 12 of 1,614,050 alleles (0.00074%); highest among the groups gnomAD compares: East Asian, 0.013%; no homozygotes.

Submission:

Labcorp Genetics (formerly Invitae), Labcorp
Classification: Uncertain significance. Last evaluated: 2024-07-31. Review status: criteria provided, single submitter. Criteria: Invitae Variant Classification Sherloc (09022015). Collection method: clinical testing. Allele origin: germline.
Comment: This sequence change replaces glutamine, which is neutral and polar, with glutamic acid, which is acidic and polar, at codon 687 of the HYOU1 protein (p.Gln687Glu). This variant is present in population databases (no rsID available, gnomAD 0.03%). This variant has not been reported in the literature in individuals affected with HYOU1-related conditions. ClinVar contains an entry for this variant (Variation ID: 1358694). An algorithm developed to predict the effect of missense changes on protein structure and function (PolyPhen-2) suggests that this variant is likely to be tolerated. In summary, the available evidence is currently insufficient to determine the role of this variant in disease. Therefore, it has been classified as a Variant of Uncertain Significance.